The following is an entry in ClinVar:

NM_001330078.2(NRXN1):c.2995A>C (p.Asn999His)

Gene: NRXN1 (neurexin 1; minus strand). Cytogenetic location: 2p16.3.
Variant type: single nucleotide variant.
Coding change: c.2995A>C on transcript NM_001330078.2 (MANE Select); coding-DNA position 2995, A replaced by C.
Protein change: p.Asn999His; replaces asparagine 999 with histidine.
Molecular consequence: missense variant.
Genome position (GRCh38, 1-based): chr2:50,495,980, T>G on the plus strand (A>C on the coding strand, the complement: NRXN1 is on the minus strand). VCF-style: chr2-50495980-T-G. GRCh37 (hg19) VCF-style: chr2-50723118-T-G.
Other names: c.3115A>C, p.Asn1039His (NM_001135659.3); c.2971A>C, p.Asn991His (NM_001330077.2, NM_001330082.2); c.2929A>C, p.Asn977His (NM_001330083.2, NM_001330084.2); c.2968A>C, p.Asn990His (NM_001330085.2); c.2995A>C, p.Asn999His (NM_001330086.2, NM_004801.6); c.2884A>C, p.Asn962His (NM_001330087.2, NM_001330096.2); c.2914A>C, p.Asn972His (NM_001330088.2); c.2992A>C, p.Asn998His (NM_001330093.2); and 2 more; short protein forms N990H, N1039H, N962H, N972H, N982H, N991H, N995H, N998H.
Identifiers: ClinVar variation 4698851 (VCV004698851.1).
Genomic context (GRCh38, chr2:50,495,980, plus strand): 5'-TCCTGGCTCCGGCGGTGATTTGCGTTGTGATTTTTGTGTCAATCTTTACAGTGTGGAGGT[T>G]GCTGGTGTCCCTTGATATCATCACGTTGTGCCACTGATTGTCATTGAGAGGTTTATTTGA-3'
Protein context (NP_001317007.1, residues 989-1009): HNVMISRDTS[Asn999His]LHTVKIDTKI

ClinVar aggregate classification (germline): Uncertain significance (1 of 4 stars; one submission).

Conditions:
Pitt-Hopkins-like syndrome 2 (PTHSL2). Identifiers: Orphanet 221150, Orphanet 600663, MedGen C3280479, MONDO:0013690, OMIM 614325.

gnomAD v4.1: 2 of 1,613,550 alleles (0.00012%); highest among the groups gnomAD compares: Non-Finnish European, 0.00017%; no homozygotes.

Submission:

Labcorp Genetics (formerly Invitae), Labcorp
Classification: Uncertain significance for Pitt-Hopkins-like syndrome 2. Last evaluated: 2025-03-03. Review status: criteria provided, single submitter. Criteria: Invitae Variant Classification Sherloc (09022015). Collection method: clinical testing. Allele origin: germline.
Comment: This sequence change replaces asparagine, which is neutral and polar, with histidine, which is basic and polar, at codon 1039 of the NRXN1 protein (p.Asn1039His). This variant is not present in population databases (gnomAD no frequency). This variant has not been reported in the literature in individuals affected with NRXN1-related conditions. Invitae Evidence Modeling of protein sequence and biophysical properties (such as structural, functional, and spatial information, amino acid conservation, physicochemical variation, residue mobility, and thermodynamic stability) indicates that this missense variant is not expected to disrupt NRXN1 protein function with a negative predictive value of 80%. In summary, the available evidence is currently insufficient to determine the role of this variant in disease. Therefore, it has been classified as a Variant of Uncertain Significance.